The following is an entry in ClinVar:

ClinVar aggregate classification (germline): Conflicting classifications of pathogenicity. Review status: criteria provided, conflicting classifications (1 of 4 stars). 11 submissions from 10 submitters: Uncertain significance (2); Benign (3); Likely benign (6). Last evaluated 2026-01-31.

Conditions:
Familial hypobetalipoproteinemia 1. Also called: APOB-Related Familial Hypobetalipoproteinemia; Hypobetalipoproteinemia, normotriglyceridemic; Acanthocytosis with hypobetalipoproteinemia. Identifiers: MedGen C4551990, MONDO:0014252, OMIM 615558.
Cardiovascular phenotype. Identifiers: MedGen CN230736.
Hypercholesterolemia, autosomal dominant, type B (FHCL2). Also called: Familial hypercholesterolemia 2; APOB-Related Familial Hypercholesterolemia, Autosomal Dominant; APOLIPOPROTEIN B-100, FAMILIAL DEFECTIVE; APOLIPOPROTEIN B-100, FAMILIAL LIGAND-DEFECTIVE; Familial Hypercholesterolemia Type B; HYPERCHOLESTEROLEMIA, FAMILIAL, DUE TO LIGAND-DEFECTIVE APOLIPOPROTEIN B. Identifiers: MedGen C1704417, MONDO:0007751, OMIM 144010.
Familial hypercholesterolemia. Also called: Familial hypercholesterolaemia; Familial hypercholesterolemias. Identifiers: MedGen C0020445, MONDO:0005439.

Allele frequency attached by ClinVar (database versions not stated): 1000 Genomes Project 30x 0.00016; 1000 Genomes Project 0.00020; gnomAD 0.00077 and 0.00078; TOPMed 0.00085; gnomAD exomes 0.00091; ExAC 0.00108; ESP Exome Variant Server 0.00123.
gnomAD v4.1: 2,139 of 1,612,620 alleles (0.13%); highest among the groups gnomAD compares: Non-Finnish European, 0.17%; 5 homozygotes.

Submissions (11):

Labcorp Genetics (formerly Invitae), Labcorp
Classification: Benign for Familial hypobetalipoproteinemia 1; Hypercholesterolemia, autosomal dominant, type B. Last evaluated: 2026-01-31. Review status: criteria provided, single submitter. Criteria: Invitae Variant Classification Sherloc (09022015). Collection method: clinical testing. Allele origin: germline.

Molecular Diagnostic Laboratory for Inherited Cardiovascular Disease, Montreal Heart Institute
Classification: Benign. Last evaluated: 2025-04-09. Review status: criteria provided, single submitter. Criteria: ACMG Guidelines, 2015. Collection method: clinical testing. Allele origin: germline. Affected: no.

Blueprint Genetics
Classification: Likely benign. Last evaluated: 2024-11-25. Review status: criteria provided, single submitter. Criteria: ACMG Guidelines, 2015. Collection method: clinical testing. Allele origin: germline.

CeGaT Center for Human Genetics Tuebingen
Classification: Likely benign. Last evaluated: 2024-03-01. Review status: criteria provided, single submitter. Criteria: CeGaT Center For Human Genetics Tuebingen Variant Classification Criteria Version 2. Collection method: clinical testing. Allele origin: germline. Affected: yes. Observed: 9 variant alleles.
Comment: APOB: BP4, BP7

GENinCode PLC
Classification: Likely benign for Familial hypercholesterolemia. Last evaluated: 2024-01-25. Review status: criteria provided, single submitter. Criteria: ACMG Guidelines, 2015. Collection method: clinical testing. Allele origin: germline.
Comment: This is a synonymous (silent) variant that is not predicted by SpliceAI to impact splicing. In addition, it occurs at a nucleotide that is not conserved and has a PopMax FAF which is greater than expected for this disorder. Therefore this variant has been classified as Likely Benign (BS1, BP4, BP7).

Mayo Clinic Laboratories, Mayo Clinic
Classification: Likely benign. Last evaluated: 2022-06-04. Review status: criteria provided, single submitter. Criteria: ACMG Guidelines, 2015. Collection method: clinical testing. Allele origin: germline. Observed: 4 variant alleles.

Quest Diagnostics Nichols Institute San Juan Capistrano
Classification: Benign. Last evaluated: 2022-01-06. Review status: criteria provided, single submitter. Criteria: Quest Diagnostics criteria. Collection method: clinical testing. Allele origin: unknown.

GeneDx
Classification: Likely benign. Last evaluated: 2021-06-25. Review status: criteria provided, single submitter. Criteria: GeneDx Variant Classification Process June 2021. Collection method: clinical testing. Allele origin: germline. Affected: yes.

Illumina Laboratory Services, Illumina
Classification: Uncertain significance for Hypercholesterolemia, autosomal dominant, type B. Last evaluated: 2018-01-13. Review status: criteria provided, single submitter. Criteria: ICSL Variant Classification Criteria 13 December 2019. Collection method: clinical testing. Allele origin: germline.

Illumina Laboratory Services, Illumina
Classification: Uncertain significance for Familial hypobetalipoproteinemia 1. Last evaluated: 2018-01-13. Review status: criteria provided, single submitter. Criteria: ICSL Variant Classification Criteria 13 December 2019. Collection method: clinical testing. Allele origin: germline.

Ambry Genetics
Classification: Likely benign for Cardiovascular phenotype. Last evaluated: 2017-07-10. Review status: criteria provided, single submitter. Criteria: Ambry Variant Classification Scheme 2023. Collection method: clinical testing. Allele origin: germline.

NM_000384.3(APOB):c.3178T>C (p.Leu1060=)

Gene: APOB (apolipoprotein B; minus strand). Cytogenetic location: 2p24.1.
Variant type: single nucleotide variant.
Coding change: c.3178T>C on transcript NM_000384.3 (MANE Select); coding-DNA position 3178, T replaced by C.
Protein change: p.Leu1060=; no amino-acid change (leucine 1060 retained).
Molecular consequence: synonymous variant.
Genome position (GRCh38, 1-based): chr2:21,016,593, A>G on the plus strand (T>C on the coding strand, the complement: APOB is on the minus strand). VCF-style: chr2-21016593-A-G. GRCh37 (hg19) VCF-style: chr2-21239465-A-G.
Other names: p.Leu1060=.
Identifiers: ClinVar variation 334158 (VCV000334158.65), dbSNP rs72653073, ClinGen allele CA058176.